The following is an entry in ClinVar:

ClinVar aggregate classification (germline): Uncertain significance (1 of 4 stars; one submission).

Conditions:
Inborn genetic diseases. Identifiers: MedGen C0950123, MeSH D030342.

gnomAD v4.1: 1 of 1,613,676 alleles (0.000062%); highest among the groups gnomAD compares: Non-Finnish European, 0.000085%; no homozygotes.

Submission:

Ambry Genetics
Classification: Uncertain significance for Inborn genetic diseases. Last evaluated: 2026-04-20. Review status: criteria provided, single submitter. Criteria: Ambry Variant Classification Scheme 2023. Collection method: clinical testing. Allele origin: germline.
Comment: The p.K230E variant (also known as c.688A>G), located in coding exon 6 of the CEP57 gene, results from an A to G substitution at nucleotide position 688. The lysine at codon 230 is replaced by glutamic acid, an amino acid with similar properties. This amino acid position is conserved. In addition, the in silico prediction for this alteration is inconclusive. Based on the available evidence, the clinical significance of this variant remains unclear.

NM_014679.5(CEP57):c.688A>G (p.Lys230Glu)

Gene: CEP57 (centrosomal protein 57; plus strand). Cytogenetic location: 11q21.
Variant type: single nucleotide variant.
Coding change: c.688A>G on transcript NM_014679.5 (MANE Select); coding-DNA position 688, A replaced by G.
Protein change: p.Lys230Glu; replaces lysine 230 with glutamic acid.
Molecular consequence: missense variant.
Genome position (GRCh38, 1-based): chr11:95,818,893, A>G. VCF-style: chr11-95818893-A-G. GRCh37 (hg19) VCF-style: chr11-95552057-A-G.
Other names: c.607A>G, p.Lys203Glu (NM_001440870.1, NM_001440875.1, NM_001363604.2 and 1 more transcripts); c.688A>G, p.Lys230Glu (NM_001440871.1, NM_001440874.1, NM_001243777.2); c.571A>G, p.Lys191Glu (NM_001440872.1, NM_001440876.1, NM_001440879.1 and 1 more transcripts); c.508A>G, p.Lys170Glu (NM_001440873.1); c.490A>G, p.Lys164Glu (NM_001440877.1, NM_001440878.1); c.661A>G, p.Lys221Glu (NM_001243776.2); c.427A>G, p.Lys143Glu (NM_001440880.1); c.391A>G, p.Lys131Glu (NM_001440881.1); short protein forms K131E, K143E, K164E, K170E, K191E, K203E, K221E, K230E.
Identifiers: ClinVar variation 4868756 (VCV004868756.1).
Genomic context (GRCh38, chr11:95,818,893, plus strand): 5'-ATGCAAGAGTTGGAAGCAAAACTCCATGAAGAAGAACAGGAAAGGAAACGCATGCAAGCT[A>G]AGGCAGCTGAGGTAAGTTAAAATGTGAGAAAGTGGGCTCTTCATATTTCTTACCGCTTTT-3'
Protein context (NP_055494.2, residues 220-240): EEQERKRMQA[Lys230Glu]AAELQTGLET